The following is an entry in ClinVar:

NM_138694.4(PKHD1):c.8797+2T>C

Gene: PKHD1 (PKHD1 ciliary IPT domain containing fibrocystin/polyductin; minus strand). Cytogenetic location: 6p12.3.
Variant type: single nucleotide variant.
Coding change: c.8797+2T>C on transcript NM_138694.4 (MANE Select); the canonical splice donor site of the intron after coding-DNA position 8797, T replaced by C.
Molecular consequence: splice donor variant.
Genome position (GRCh38, 1-based): chr6:51,754,782, A>G on the plus strand (T>C on the coding strand, the complement: PKHD1 is on the minus strand). VCF-style: chr6-51754782-A-G. GRCh37 (hg19) VCF-style: chr6-51619580-A-G.
Other names: c.8797+2T>C (NM_170724.3).
Identifiers: ClinVar variation 3382168 (VCV003382168.2).

ClinVar aggregate classification (germline): Pathogenic (1 of 4 stars; one submission).

Conditions:
Polycystic kidney disease 4 (PKD4). Also called: POLYCYSTIC KIDNEY AND HEPATIC DISEASE 1; POLYCYSTIC KIDNEY DISEASE, INFANTILE, TYPE I; PKD3; Autosomal Recessive Polycystic Kidney Disease – PKHD1; POLYCYSTIC KIDNEY DISEASE 4 WITH OR WITHOUT POLYCYSTIC LIVER DISEASE. Identifiers: MedGen C4540575, MONDO:0033004, OMIM 263200.

Submission:

Juno Genomics, Hangzhou Juno Genomics, Inc
Classification: Pathogenic for Polycystic kidney disease 4. Review status: criteria provided, single submitter. Criteria: ACMG Guidelines, 2015. Collection method: clinical testing. Allele origin: germline. Affected: yes.
Comment: Absent from controls (or at extremely low frequency if recessive) in Genome Aggregation Database, Exome Sequencing Project, 1000 Genomes Project, or Exome Aggregation Consortium.;Null variant in a gene where loss of function (LOF) is a known mechanism of disease.;For recessive disorders, detected in trans with a pathogenic variant.